The following is an entry in ClinVar:

NM_172107.4(KCNQ2):c.922C>T (p.Pro308Ser)

Gene: KCNQ2 (potassium voltage-gated channel subfamily Q member 2; minus strand). Cytogenetic location: 20q13.33.
Variant type: single nucleotide variant.
Coding change: c.922C>T on transcript NM_172107.4 (MANE Select); coding-DNA position 922, C replaced by T.
Protein change: p.Pro308Ser; replaces proline 308 with serine.
Molecular consequence: missense variant.
Genome position (GRCh38, 1-based): chr20:63,439,603, G>A on the plus strand (C>T on the coding strand, the complement: KCNQ2 is on the minus strand). VCF-style: chr20-63439603-G-A. GRCh37 (hg19) VCF-style: chr20-62070956-G-A.
Other names: c.922C>T, p.Pro308Ser (NM_001382235.1, NM_004518.6, NM_172106.3 and 2 more transcripts); short protein forms P308S.
Identifiers: ClinVar variation 1709043 (VCV001709043.2), dbSNP rs2516418447, ClinGen allele CA409652444.

ClinVar aggregate classification (germline): Likely pathogenic (1 of 4 stars; one submission).

Conditions:
Developmental and epileptic encephalopathy, 7 (DEE7). Also called: KCNQ2-Related Neonatal-Onset Developmental and Epileptic Encephalopathy (NEO-DEE); Early infantile epileptic encephalopathy 7; KCNQ2-Related Neonatal Epileptic Encephalopathy. Identifiers: Orphanet 439218, MedGen C3150986, MONDO:0013387, OMIM 613720.

Submission:

MGZ Medical Genetics Center
Classification: Likely pathogenic for Developmental and epileptic encephalopathy, 7. Last evaluated: 2021-12-13. Review status: criteria provided, single submitter. Criteria: ACMG Guidelines, 2015. Collection method: clinical testing. Allele origin: germline. Affected: yes. Observed: 1 variant allele.
Comment: ACMG criteria applied: PS2, PM1, PM2_SUP, PP2, PP3